The following is an entry in ClinVar:

NM_006031.6(PCNT):c.5994+4G>A

Gene: PCNT (pericentrin; plus strand). Cytogenetic location: 21q22.3.
Variant type: single nucleotide variant.
Coding change: c.5994+4G>A on transcript NM_006031.6 (MANE Select); 4 bases into the intron after coding-DNA position 5994, G replaced by A.
Molecular consequence: intron variant.
Genome position (GRCh38, 1-based): chr21:46,412,071, G>A. VCF-style: chr21-46412071-G-A. GRCh37 (hg19) VCF-style: chr21-47831985-G-A.
Other names: c.5640+4G>A (NM_001315529.2).
Identifiers: ClinVar variation 513256 (VCV000513256.14), dbSNP rs781737632, ClinGen allele CA10080142.

ClinVar aggregate classification (germline): Conflicting classifications of pathogenicity. Review status: criteria provided, conflicting classifications (1 of 4 stars). 5 submissions from 5 submitters: Uncertain significance (3); Likely benign (2). Last evaluated 2024-10-28.

Conditions:
Microcephalic osteodysplastic primordial dwarfism type II (MOPD2). Also called: Microcephalic osteodysplastic primordial dwarfism with tooth abnormalities; OSTEODYSPLASTIC PRIMORDIAL DWARFISM, TYPE II; MOPD II. Identifiers: Orphanet 2637, MedGen C0432246, MONDO:0008872, OMIM 210720.

Allele frequency attached by ClinVar (database versions not stated): ExAC 0.00004; gnomAD 0.00006 and 0.00008; gnomAD exomes 0.00011; TOPMed 0.00021.
gnomAD v4.1: 92 of 1,605,560 alleles (0.0057%); highest among the groups gnomAD compares: Admixed American, 0.042%; no homozygotes.

Submissions (5):

Labcorp Genetics (formerly Invitae), Labcorp
Classification: Uncertain significance. Last evaluated: 2024-10-28. Review status: criteria provided, single submitter. Criteria: Invitae Variant Classification Sherloc (09022015). Collection method: clinical testing. Allele origin: germline.
Comment: This sequence change falls in intron 28 of the PCNT gene. It does not directly change the encoded amino acid sequence of the PCNT protein. It affects a nucleotide within the consensus splice site. This variant is present in population databases (rs781737632, gnomAD 0.04%). This variant has not been reported in the literature in individuals affected with PCNT-related conditions. ClinVar contains an entry for this variant (Variation ID: 513256). Variants that disrupt the consensus splice site are a relatively common cause of aberrant splicing (PMID: 17576681, 9536098). Algorithms developed to predict the effect of sequence changes on RNA splicing suggest that this variant is not likely to affect RNA splicing. In summary, the available evidence is currently insufficient to determine the role of this variant in disease. Therefore, it has been classified as a Variant of Uncertain Significance.

Blueprint Genetics
Classification: Likely benign. Last evaluated: 2024-09-15. Review status: criteria provided, single submitter. Criteria: ACMG Guidelines, 2015. Collection method: clinical testing. Allele origin: germline.

GeneDx
Classification: Likely benign. Last evaluated: 2018-11-28. Review status: criteria provided, single submitter. Criteria: GeneDx Variant Classification Process June 2021. Collection method: clinical testing. Allele origin: germline. Affected: yes.

Illumina Laboratory Services, Illumina
Classification: Uncertain significance for Microcephalic osteodysplastic primordial dwarfism type II. Last evaluated: 2018-01-13. Review status: criteria provided, single submitter. Criteria: ICSL Variant Classification Criteria 13 December 2019. Collection method: clinical testing. Allele origin: germline.

Genetic Services Laboratory, University of Chicago
Classification: Uncertain significance. Last evaluated: 2017-12-01. Review status: criteria provided, single submitter. Criteria: ACMG Guidelines, 2015. Collection method: clinical testing. Allele origin: germline. Affected: no.

Literature cited by the submitters: PubMed 17576681 (cited by Labcorp Genetics (formerly Invitae), Labcorp); PubMed 9536098 (cited by Labcorp Genetics (formerly Invitae), Labcorp).